The following is an entry in ClinVar:

ClinVar aggregate classification (germline): Uncertain significance (1 of 4 stars; one submission).

Conditions:
Immunodeficiency, common variable, 7. Identifiers: Orphanet 1572, Orphanet 696894, MedGen C3542922, MONDO:0013862, OMIM 614699.

gnomAD v4.1: 14 of 1,613,924 alleles (0.00087%); highest among the groups gnomAD compares: Non-Finnish European, 0.00076%; no homozygotes.

Submission:

Labcorp Genetics (formerly Invitae), Labcorp
Classification: Uncertain significance for Immunodeficiency, common variable, 7. Last evaluated: 2022-07-11. Review status: criteria provided, single submitter. Criteria: Invitae Variant Classification Sherloc (09022015). Collection method: clinical testing. Allele origin: germline.
Comment: This variant has not been reported in the literature in individuals affected with CR2-related conditions. This variant is not present in population databases (gnomAD no frequency). ClinVar contains an entry for this variant (Variation ID: 963344). In summary, the available evidence is currently insufficient to determine the role of this variant in disease. Therefore, it has been classified as a Variant of Uncertain Significance. Algorithms developed to predict the effect of missense changes on protein structure and function (SIFT, PolyPhen-2, Align-GVGD) all suggest that this variant is likely to be tolerated. This sequence change replaces threonine, which is neutral and polar, with alanine, which is neutral and non-polar, at codon 304 of the CR2 protein (p.Thr304Ala).

NM_001006658.3(CR2):c.910A>G (p.Thr304Ala)

Genes: CR2 (complement C3d receptor 2; plus strand), LOC126805994 (BRD4-independent group 4 enhancer GRCh37_chr1:207642622-207643821; plus strand). Cytogenetic location: 1q32.2.
Variant type: single nucleotide variant.
Coding change: c.910A>G on transcript NM_001006658.3 (MANE Select); coding-DNA position 910, A replaced by G.
Protein change: p.Thr304Ala; replaces threonine 304 with alanine.
Molecular consequence: missense variant.
Genome position (GRCh38, 1-based): chr1:207,469,787, A>G. VCF-style: chr1-207469787-A-G. GRCh37 (hg19) VCF-style: chr1-207643132-A-G.
Other names: c.910A>G, p.Thr304Ala (NM_001877.5); short protein forms T304A.
Identifiers: ClinVar variation 963344 (VCV000963344.10), dbSNP rs773579040, ClinGen allele CA344528184.